The following is an entry in ClinVar:

ClinVar aggregate classification (germline): Likely benign. Review status: criteria provided, multiple submitters, no conflicts (2 of 4 stars). 2 submissions from 2 submitters: Likely benign (2). Last evaluated 2026-05-01.

Conditions:
Autosomal dominant limb-girdle muscular dystrophy type 1G (LGMDD3). Also called: Limb-girdle muscular dystrophy, type 1G; MUSCULAR DYSTROPHY, LIMB-GIRDLE, AUTOSOMAL DOMINANT 3. Identifiers: Orphanet 55596, MedGen C1836765, MONDO:0012193, OMIM 609115.

Allele frequency attached by ClinVar (database versions not stated): gnomAD 0.00001; ExAC 0.00002.
gnomAD v4.1: 17 of 1,610,900 alleles (0.0011%); highest among the groups gnomAD compares: South Asian, 0.0077%; no homozygotes.

Submissions (2):

CeGaT Center for Human Genetics Tuebingen
Classification: Likely benign. Last evaluated: 2026-05-01. Review status: criteria provided, single submitter. Criteria: CeGaT Center For Human Genetics Tuebingen Variant Classification Criteria Version 2. Collection method: clinical testing. Allele origin: germline. Affected: yes. Observed: 1 variant allele.
Comment: HNRNPDL: BP4, BP7

Labcorp Genetics (formerly Invitae), Labcorp
Classification: Likely benign for Autosomal dominant limb-girdle muscular dystrophy type 1G. Last evaluated: 2025-08-24. Review status: criteria provided, single submitter. Criteria: Invitae Variant Classification Sherloc (09022015). Collection method: clinical testing. Allele origin: germline.

NM_031372.4(HNRNPDL):c.249G>A (p.Pro83=)

Gene: HNRNPDL (heterogeneous nuclear ribonucleoprotein D like; minus strand). Cytogenetic location: 4q21.22.
Variant type: single nucleotide variant.
Coding change: c.249G>A on transcript NM_031372.4 (MANE Select); coding-DNA position 249, G replaced by A.
Protein change: p.Pro83=; no amino-acid change (proline 83 retained).
Molecular consequence: synonymous variant. On other transcripts: non-coding transcript variant (1).
Genome position (GRCh38, 1-based): chr4:82,429,442, C>T on the plus strand (G>A on the coding strand, the complement: HNRNPDL is on the minus strand). VCF-style: chr4-82429442-C-T. GRCh37 (hg19) VCF-style: chr4-83350595-C-T.
Other names: c.249G>A, p.Pro83= (NM_001207000.1).
Identifiers: ClinVar variation 1597614 (VCV001597614.10), dbSNP rs753636245, ClinGen allele CA2985103.
Genomic context (GRCh38, chr4:82,429,442, plus strand): 5'-GGCAGCAGCGGCGGCGGAGCGTTGTATGGAGCTGGATTTAAAATGGCGGCGGAAGAGATC[C>T]GGGCGCCGCCTGCGCCCTCCCTTTATAGCCGCCCCGCCCGCCAATCGGGAGGGCTGCTGG-3'
Protein context (NP_112740.1, residues 73-93): AAIKGGRRRR[Pro83=]DLFRRHFKSS